The following is an entry in ClinVar:

ClinVar aggregate classification (germline): Pathogenic (1 of 4 stars; one submission).

Allele frequency attached by ClinVar (database versions not stated): TOPMed below 0.00001; gnomAD 0.00001; gnomAD exomes 0.00001; ExAC 0.00002.

Submission:

Labcorp Genetics (formerly Invitae), Labcorp
Classification: Pathogenic. Last evaluated: 2022-02-03. Review status: criteria provided, single submitter. Criteria: Invitae Variant Classification Sherloc (09022015). Collection method: clinical testing. Allele origin: germline.
Comment: This sequence change creates a premature translational stop signal (p.Gln568Argfs*35) in the AARS2 gene. It is expected to result in an absent or disrupted protein product. Loss-of-function variants in AARS2 are known to be pathogenic (PMID: 24808023, 30285085, 30819764). This variant is present in population databases (rs756523315, gnomAD 0.002%). For these reasons, this variant has been classified as Pathogenic. This premature translational stop signal has been observed in individual(s) with AARS2-related conditions (PMID: 31920941).

Literature cited by the submitters: PubMed 24808023; PubMed 30285085; PubMed 30819764; PubMed 31920941.

NM_020745.4(AARS2):c.1703_1704del (p.Gln568fs)

Gene: AARS2 (alanyl-tRNA synthetase 2, mitochondrial; minus strand). Cytogenetic location: 6p21.1.
Variant type: Deletion.
Coding change: c.1703_1704del on transcript NM_020745.4 (MANE Select); coding-DNA positions 1703 to 1704, 2 bases deleted (AG; older notation c.1703_1704delAG).
Protein change: p.Gln568fs; shifts the reading frame from glutamine 568.
Molecular consequence: frameshift variant.
Genome position (GRCh38, 1-based): chr6:44,304,693-44,304,694, CT deleted on the plus strand (AG on the coding strand, the reverse complement: AARS2 is on the minus strand). VCF-style (leftmost placement, unchanged base first): chr6-44304692-CCT-C. GRCh37 (hg19) VCF-style: chr6-44272429-CCT-C.
Other names: short protein forms Q568fs.
Identifiers: ClinVar variation 1916293 (VCV001916293.5), dbSNP rs756523315, ClinGen allele CA3834242.